The following is an entry in ClinVar:

NM_017780.4(CHD7):c.8126T>C (p.Val2709Ala)

Gene: CHD7 (chromodomain helicase DNA binding protein 7; plus strand). Cytogenetic location: 8q12.2.
Variant type: single nucleotide variant.
Coding change: c.8126T>C on transcript NM_017780.4 (MANE Select); coding-DNA position 8126, T replaced by C.
Protein change: p.Val2709Ala; replaces valine 2709 with alanine.
Molecular consequence: missense variant.
Genome position (GRCh38, 1-based): chr8:60,865,065, T>C. VCF-style: chr8-60865065-T-C. GRCh37 (hg19) VCF-style: chr8-61777624-T-C.
Other names: c.1979T>C, p.Val660Ala (NM_001316690.1); c.8126T>C (NM_017780.3); short protein forms V660A, V2709A.
Identifiers: ClinVar variation 1038151 (VCV001038151.9), dbSNP rs1806175791, ClinGen allele CA371307300.

ClinVar aggregate classification (germline): Uncertain significance. Review status: criteria provided, multiple submitters, no conflicts (2 of 4 stars). 2 submissions from 2 submitters: Uncertain significance (2). Last evaluated 2025-11-02.

Conditions:
CHARGE syndrome (CHARGE). Also called: Hittner Hirsch Kreh syndrome; Coloboma, heart anomaly, choanal atresia, retardation, genital and ear anomalies; CHARGE association; Hall-Hittner syndrome; CHARGE ASSOCIATION--COLOBOMA, HEART ANOMALY, CHOANAL ATRESIA, RETARDATION, GENITAL AND EAR ANOMALIES. Identifiers: Orphanet 138, MedGen C0265354, MONDO:0008965.
Inborn genetic diseases. Identifiers: MedGen C0950123, MeSH D030342.

Allele frequency attached by ClinVar (database versions not stated): gnomAD exomes below 0.00001.
gnomAD v4.1: 1 of 1,609,482 alleles (0.000062%); highest among the groups gnomAD compares: Non-Finnish European, 0.000085%; no homozygotes.

Submissions (2):

Ambry Genetics
Classification: Uncertain significance for Inborn genetic diseases. Last evaluated: 2025-11-02. Review status: criteria provided, single submitter. Criteria: Ambry Variant Classification Scheme 2023. Collection method: clinical testing. Allele origin: germline.

Labcorp Genetics (formerly Invitae), Labcorp
Classification: Uncertain significance for CHARGE syndrome. Last evaluated: 2021-01-06. Review status: criteria provided, single submitter. Criteria: Invitae Variant Classification Sherloc (09022015). Collection method: clinical testing. Allele origin: germline.
Comment: In summary, the available evidence is currently insufficient to determine the role of this variant in disease. Therefore, it has been classified as a Variant of Uncertain Significance. Advanced modeling of protein sequence and biophysical properties (such as structural, functional, and spatial information, amino acid conservation, physicochemical variation, residue mobility, and thermodynamic stability) performed at Invitae indicates that this missense variant is not expected to disrupt CHD7 protein function. This variant has not been reported in the literature in individuals with CHD7-related conditions. This variant is not present in population databases (ExAC no frequency). This sequence change replaces valine with alanine at codon 2709 of the CHD7 protein (p.Val2709Ala). The valine residue is highly conserved and there is a small physicochemical difference between valine and alanine.